The following is an entry in ClinVar:

ClinVar aggregate classification (germline): Uncertain significance (1 of 4 stars; one submission).

Conditions:
Temtamy preaxial brachydactyly syndrome (TPBS). Identifiers: Orphanet 363417, MedGen C1854466, MONDO:0011533, OMIM 605282.

Allele frequency attached by ClinVar (database versions not stated): gnomAD exomes 0.00001 and 0.00003; ExAC 0.00002.
gnomAD v4.1: 23 of 1,614,106 alleles (0.0014%); highest among the groups gnomAD compares: African/African-American, 0.0093%; no homozygotes.

Submission:

Labcorp Genetics (formerly Invitae), Labcorp
Classification: Uncertain significance for Temtamy preaxial brachydactyly syndrome. Last evaluated: 2022-07-19. Review status: criteria provided, single submitter. Criteria: Invitae Variant Classification Sherloc (09022015). Collection method: clinical testing. Allele origin: germline.
Comment: In summary, the available evidence is currently insufficient to determine the role of this variant in disease. Therefore, it has been classified as a Variant of Uncertain Significance. Algorithms developed to predict the effect of missense changes on protein structure and function are either unavailable or do not agree on the potential impact of this missense change (SIFT: "Deleterious"; PolyPhen-2: "Benign"; Align-GVGD: "Class C0"). ClinVar contains an entry for this variant (Variation ID: 1400423). This variant has not been reported in the literature in individuals affected with CHSY1-related conditions. This variant is present in population databases (rs573681382, gnomAD 0.01%). This sequence change replaces alanine, which is neutral and non-polar, with threonine, which is neutral and polar, at codon 400 of the CHSY1 protein (p.Ala400Thr).

NM_014918.5(CHSY1):c.1198G>A (p.Ala400Thr)

Gene: CHSY1 (chondroitin sulfate synthase 1; minus strand). Cytogenetic location: 15q26.3.
Variant type: single nucleotide variant.
Coding change: c.1198G>A on transcript NM_014918.5 (MANE Select); coding-DNA position 1198, G replaced by A.
Protein change: p.Ala400Thr; replaces alanine 400 with threonine.
Molecular consequence: missense variant.
Genome position (GRCh38, 1-based): chr15:101,178,599, C>T on the plus strand (G>A on the coding strand, the complement: CHSY1 is on the minus strand). VCF-style: chr15-101178599-C-T. GRCh37 (hg19) VCF-style: chr15-101718804-C-T.
Other names: short protein forms A400T.
Identifiers: ClinVar variation 1400423 (VCV001400423.6), dbSNP rs573681382, ClinGen allele CA7762578.
Genomic context (GRCh38, chr15:101,178,599, plus strand): 5'-CGTTGGCATTGATCATCTCCATGACCTGCATGACAATGTCGTCCAAGGCTTCCCTCTGGG[C>T]GGAGTCCATTCCTCTTCGAGGGGGCTGGCCGTCAACTGCCGAATACAAGTATTTTCCAGT-3'
Protein context (NP_055733.2, residues 390-410): GQPPRRGMDS[Ala400Thr]QREALDDIVM